The following is an entry in ClinVar:

NM_000057.4(BLM):c.157T>A (p.Ser53Thr)

Gene: BLM (BLM RecQ like helicase; plus strand). Cytogenetic location: 15q26.1.
Variant type: single nucleotide variant.
Coding change: c.157T>A on transcript NM_000057.4 (MANE Select); coding-DNA position 157, T replaced by A.
Protein change: p.Ser53Thr; replaces serine 53 with threonine.
Molecular consequence: missense variant. On other transcripts: 5 prime UTR variant (1).
Genome position (GRCh38, 1-based): chr15:90,749,425, T>A. VCF-style: chr15-90749425-T-A. GRCh37 (hg19) VCF-style: chr15-91292655-T-A.
Other names: c.157T>A (NM_000057.2); c.157T>A, p.Ser53Thr (NM_001287246.2, NM_001287247.2); c.-1135T>A (NM_001287248.2); short protein forms S53T.
Identifiers: ClinVar variation 454083 (VCV000454083.10), dbSNP rs1555418248, ClinGen allele CA393839504.
Genomic context (GRCh38, chr15:90,749,425, plus strand): 5'-AGAGGTTTCACTTTTAAAAAGAAAACATCTTCAGATAACAATGTATCTGTAACTAATGTG[T>A]CAGTAGCAAAAACACCTGTATTAAGAAATAAAGATGTTAATGTTACCGAAGACTTTTCCT-3'
Protein context (NP_000048.1, residues 43-63): SDNNVSVTNV[Ser53Thr]VAKTPVLRNK

ClinVar aggregate classification (germline): Uncertain significance. Review status: criteria provided, multiple submitters, no conflicts (2 of 4 stars). 2 submissions from 2 submitters: Uncertain significance (2). Last evaluated 2025-05-17.

Conditions:
Hereditary cancer-predisposing syndrome. Also called: Hereditary Cancer Syndrome; Hereditary neoplastic syndrome; Neoplastic Syndromes, Hereditary; Tumor predisposition. Identifiers: Orphanet 140162, MedGen C0027672, MeSH D009386, MONDO:0015356.
Bloom syndrome (BLM). Also called: Bloom-Torre-Machacek syndrome. Identifiers: Orphanet 125, MedGen C0005859, MONDO:0008876, OMIM 210900.

Submissions (2):

Ambry Genetics
Classification: Uncertain significance for Hereditary cancer-predisposing syndrome. Last evaluated: 2025-05-17. Review status: criteria provided, single submitter. Criteria: Ambry Variant Classification Scheme 2023. Collection method: clinical testing. Allele origin: germline.
Comment: The p.S53T variant (also known as c.157T>A), located in coding exon 2 of the BLM gene, results from a T to A substitution at nucleotide position 157. The serine at codon 53 is replaced by threonine, an amino acid with similar properties. This amino acid position is conserved. In addition, this alteration is predicted to be tolerated by in silico analysis. Based on the available evidence, the clinical significance of this variant remains unclear.

Labcorp Genetics (formerly Invitae), Labcorp
Classification: Uncertain significance for Bloom syndrome. Last evaluated: 2024-12-18. Review status: criteria provided, single submitter. Criteria: Invitae Variant Classification Sherloc (09022015). Collection method: clinical testing. Allele origin: germline.
Comment: This sequence change replaces serine, which is neutral and polar, with threonine, which is neutral and polar, at codon 53 of the BLM protein (p.Ser53Thr). This variant is not present in population databases (gnomAD no frequency). This variant has not been reported in the literature in individuals affected with BLM-related conditions. ClinVar contains an entry for this variant (Variation ID: 454083). An algorithm developed to predict the effect of missense changes on protein structure and function (PolyPhen-2) suggests that this variant is likely to be disruptive. In summary, the available evidence is currently insufficient to determine the role of this variant in disease. Therefore, it has been classified as a Variant of Uncertain Significance.